The following is an entry in ClinVar:

ClinVar aggregate classification (germline): Conflicting classifications of pathogenicity. Review status: criteria provided, conflicting classifications (1 of 4 stars). 5 submissions from 4 submitters: Uncertain significance (4); Benign (1). Last evaluated 2025-03-06.

Conditions:
Inborn genetic diseases. Identifiers: MedGen C0950123, MeSH D030342.
Amyotrophic lateral sclerosis type 4 (ALS4). Also called: NEURONOPATHY, DISTAL HEREDITARY MOTOR, WITH PYRAMIDAL FEATURES; AMYOTROPHIC LATERAL SCLEROSIS 4, JUVENILE. Identifiers: Orphanet 357043, MedGen C1865409, MONDO:0011223, OMIM 602433.
Spinocerebellar ataxia, autosomal recessive, with axonal neuropathy 2 (SCAN2). Also called: ATAXIA-OCULOMOTOR APRAXIA 2; Ataxia-ocular apraxia-2; Ataxia with Oculomotor Apraxia; Ataxia with Oculomotor Apraxia Type 2. Identifiers: Orphanet 64753, MedGen C1853761, MONDO:0018996, OMIM 606002.

Allele frequency attached by ClinVar (database versions not stated): gnomAD 0.00001 and 0.00002; TOPMed 0.00003.
gnomAD v4.1: 61 of 1,614,032 alleles (0.0038%); highest among the groups gnomAD compares: Non-Finnish European, 0.0049%; no homozygotes.

Submissions (5):

Labcorp Genetics (formerly Invitae), Labcorp
Classification: Benign for Amyotrophic lateral sclerosis type 4; Spinocerebellar ataxia, autosomal recessive, with axonal neuropathy 2. Last evaluated: 2025-03-06. Review status: criteria provided, single submitter. Criteria: Invitae Variant Classification Sherloc (09022015). Collection method: clinical testing. Allele origin: germline.

Genome-Nilou Lab
Classification: Uncertain significance for Spinocerebellar ataxia, autosomal recessive, with axonal neuropathy 2. Last evaluated: 2023-02-08. Review status: criteria provided, single submitter. Criteria: ACMG Guidelines, 2015. Collection method: clinical testing. Allele origin: germline.

Genome-Nilou Lab
Classification: Uncertain significance for Amyotrophic lateral sclerosis type 4. Last evaluated: 2023-02-08. Review status: criteria provided, single submitter. Criteria: ACMG Guidelines, 2015. Collection method: clinical testing. Allele origin: germline.

Ambry Genetics
Classification: Uncertain significance for Inborn genetic diseases. Last evaluated: 2022-08-15. Review status: criteria provided, single submitter. Criteria: Ambry Variant Classification Scheme 2023. Collection method: clinical testing. Allele origin: germline.
Comment: The p.N620D variant (also known as c.1858A>G), located in coding exon 8 of the SETX gene, results from an A to G substitution at nucleotide position 1858. The asparagine at codon 620 is replaced by aspartic acid, an amino acid with highly similar properties. This amino acid position is conserved. In addition, this alteration is predicted to be tolerated by in silico analysis. Since supporting evidence is limited at this time, the clinical significance of this alteration remains unclear.

Athena Diagnostics
Classification: Uncertain significance. Last evaluated: 2020-10-20. Review status: criteria provided, single submitter. Criteria: Athena Diagnostics criteria. Collection method: clinical testing. Allele origin: unknown.

NM_015046.7(SETX):c.1858A>G (p.Asn620Asp)

Gene: SETX (senataxin; minus strand). Cytogenetic location: 9q34.13.
Variant type: single nucleotide variant.
Coding change: c.1858A>G on transcript NM_015046.7 (MANE Select); coding-DNA position 1858, A replaced by G.
Protein change: p.Asn620Asp; replaces asparagine 620 with aspartic acid.
Molecular consequence: missense variant.
Genome position (GRCh38, 1-based): chr9:132,329,740, T>C on the plus strand (A>G on the coding strand, the complement: SETX is on the minus strand). VCF-style: chr9-132329740-T-C. GRCh37 (hg19) VCF-style: chr9-135205127-T-C.
Other names: c.1858A>G, p.Asn620Asp (NM_001351527.2, NM_001351528.2); short protein forms N620D.
Identifiers: ClinVar variation 1256249 (VCV001256249.5), dbSNP rs777081940, ClinGen allele CA5297709.